The following is an entry in ClinVar:

NM_001901.4(CCN2):c.290-6C>T

Genes: CCN2 (cellular communication network factor 2; minus strand), CCN2-AS1 (CCN2 antisense RNA 1; plus strand). Cytogenetic location: 6q23.2.
Variant type: single nucleotide variant.
Coding change: c.290-6C>T on transcript NM_001901.4 (MANE Select); 6 bases into the intron before coding-DNA position 290, C replaced by T.
Molecular consequence: intron variant.
Genome position (GRCh38, 1-based): chr6:131,950,549, G>A on the plus strand (C>T on the coding strand, the complement: CCN2 is on the minus strand). VCF-style: chr6-131950549-G-A. GRCh37 (hg19) VCF-style: chr6-132271689-G-A.
Identifiers: ClinVar variation 770730 (VCV000770730.28), dbSNP rs45488997, ClinGen allele CA4002809.

ClinVar aggregate classification (germline): Benign. Review status: criteria provided, multiple submitters, no conflicts (2 of 4 stars). 2 submissions from 2 submitters: Benign (2). Last evaluated 2026-04-01.

Allele frequency attached by ClinVar (database versions not stated): 1000 Genomes Project 30x 0.00359; 1000 Genomes Project 0.00379; TOPMed 0.00778; gnomAD exomes 0.00837 and 0.01235; gnomAD 0.00838 and 0.00862; ExAC 0.00842; ESP Exome Variant Server 0.01008.

Submissions (2):

CeGaT Center for Human Genetics Tuebingen
Classification: Benign. Last evaluated: 2026-04-01. Review status: criteria provided, single submitter. Criteria: CeGaT Center For Human Genetics Tuebingen Variant Classification Criteria Version 2. Collection method: clinical testing. Allele origin: germline. Affected: yes. Observed: 5 variant alleles.
Comment: CCN2: BP4, BS1, BS2

Labcorp Genetics (formerly Invitae), Labcorp
Classification: Benign. Last evaluated: 2019-12-31. Review status: criteria provided, single submitter. Criteria: Invitae Variant Classification Sherloc (09022015). Collection method: clinical testing. Allele origin: germline.